The following is an entry in ClinVar:

NM_001256012.3(MYH10):c.2551C>A (p.Gln851Lys)

Genes: MYH10 (myosin heavy chain 10; minus strand), LOC126862486 (BRD4-independent group 4 enhancer GRCh37_chr17:8416542-8417741; plus strand). Cytogenetic location: 17p13.1.
Variant type: single nucleotide variant.
Coding change: c.2551C>A on transcript NM_001256012.3 (MANE Select); coding-DNA position 2551, C replaced by A.
Protein change: p.Gln851Lys; replaces glutamine 851 with lysine.
Molecular consequence: missense variant.
Genome position (GRCh38, 1-based): chr17:8,513,848, G>T on the plus strand (C>A on the coding strand, the complement: MYH10 is on the minus strand). VCF-style: chr17-8513848-G-T. GRCh37 (hg19) VCF-style: chr17-8417166-G-T.
Other names: c.2485C>A, p.Gln829Lys (NM_001256095.2); c.2488C>A, p.Gln830Lys (NM_001375266.1); c.2458C>A, p.Gln820Lys (NM_005964.5); short protein forms Q820K, Q829K, Q830K, Q851K.
Identifiers: ClinVar variation 3777585 (VCV003777585.1).

ClinVar aggregate classification (germline): Uncertain significance (1 of 4 stars; one submission).

Submission:

GeneDx
Classification: Uncertain significance. Last evaluated: 2024-10-09. Review status: criteria provided, single submitter. Criteria: GeneDx Variant Classification Process June 2021. Collection method: clinical testing. Allele origin: germline. Affected: yes.
Comment: Not observed at significant frequency in large population cohorts (gnomAD); In silico analysis supports that this missense variant has a deleterious effect on protein structure/function; Has not been previously published as pathogenic or benign to our knowledge